The following is an entry in ClinVar:

ClinVar aggregate classification (germline): Uncertain significance. Review status: criteria provided, multiple submitters, no conflicts (2 of 4 stars). 8 submissions from 8 submitters: Uncertain significance (8). Last evaluated 2025-02-20.

Conditions:
Epilepsy, progressive myoclonic, 1B. Also called: PME. Identifiers: Orphanet 308, MedGen C2676254, MONDO:0012904, OMIM 612437.

Allele frequency attached by ClinVar (database versions not stated): gnomAD exomes 0.00007 and 0.00020; 1000 Genomes Project 0.00020; ExAC 0.00022; 1000 Genomes Project 30x 0.00031; gnomAD 0.00034 and 0.00037; ESP Exome Variant Server 0.00046; TOPMed 0.00048.
gnomAD v4.1: 147 of 1,614,070 alleles (0.0091%); highest among the groups gnomAD compares: African/African-American, 0.14%; no homozygotes.

Submissions (8):

Ambry Genetics
Classification: Uncertain significance. Last evaluated: 2025-02-20. Review status: criteria provided, single submitter. Criteria: Ambry Variant Classification Scheme 2023. Collection method: clinical testing. Allele origin: germline.

Athena Diagnostics
Classification: Uncertain significance. Last evaluated: 2024-12-27. Review status: criteria provided, single submitter. Criteria: Athena Diagnostics Criteria. Collection method: clinical testing. Allele origin: unknown.
Comment: Available data are insufficient to determine the clinical significance of the variant at this time. The frequency of this variant in the general population is higher than would generally be expected for pathogenic variants in this gene. Polyphen and MutationTaster predict this amino acid change may be benign.

Blueprint Genetics
Classification: Uncertain significance. Last evaluated: 2024-11-25. Review status: criteria provided, single submitter. Criteria: ACMG Guidelines, 2015. Collection method: clinical testing. Allele origin: germline.

Labcorp Genetics (formerly Invitae), Labcorp
Classification: Uncertain significance for Epilepsy, progressive myoclonic, 1B. Last evaluated: 2022-09-07. Review status: criteria provided, single submitter. Criteria: Invitae Variant Classification Sherloc (09022015). Collection method: clinical testing. Allele origin: germline.
Comment: This sequence change replaces glutamic acid, which is acidic and polar, with lysine, which is basic and polar, at codon 757 of the PRICKLE1 protein (p.Glu757Lys). This variant is present in population databases (rs145860632, gnomAD 0.1%). This variant has not been reported in the literature in individuals affected with PRICKLE1-related conditions. ClinVar contains an entry for this variant (Variation ID: 206655). Algorithms developed to predict the effect of missense changes on protein structure and function (SIFT, PolyPhen-2, Align-GVGD) all suggest that this variant is likely to be tolerated. In summary, the available evidence is currently insufficient to determine the role of this variant in disease. Therefore, it has been classified as a Variant of Uncertain Significance.

Center for Genomics, Ann and Robert H. Lurie Children's Hospital of Chicago
Classification: Uncertain significance for Epilepsy, progressive myoclonic, 1B. Last evaluated: 2021-03-30. Review status: criteria provided, single submitter. Criteria: ACMG Guidelines, 2015. Collection method: clinical testing. Allele origin: germline.
Comment: PRICKLE1 NM_153026 exon 8 p.Glu757Lys (c.2269G>A): This variant has not been reported in the literature but is present in 0.1% (29/24020) of African alleles in the Genome Aggregation Database. This variant is present in ClinVar (Variation ID:206655). Evolutionary conservation and computational predictive tools suggest that this variant may not impact the protein. In summary, data on this variant is insufficient for disease classification. Therefore, the clinical significance of this variant is uncertain.

New York Genome Center
Classification: Uncertain significance for Epilepsy, progressive myoclonic, 1B. Last evaluated: 2020-12-29. Review status: criteria provided, single submitter. Criteria: NYGC Assertion Criteria 2020. Collection method: clinical testing. Allele origin: inherited. Observed: 1 heterozygote. Study: CSER-NYCKidSeq.

Fulgent Genetics
Classification: Uncertain significance for Epilepsy, progressive myoclonic, 1B. Last evaluated: 2018-10-31. Review status: criteria provided, single submitter. Criteria: ACMG Guidelines, 2015. Collection method: clinical testing. Allele origin: unknown.

GeneDx
Classification: Uncertain significance. Last evaluated: 2017-06-06. Review status: criteria provided, single submitter. Criteria: GeneDx Variant Classification (06012015). Collection method: clinical testing. Allele origin: germline. Affected: yes.
Comment: A variant of uncertain significance has been identified in the PRICKLE1 gene. The E757K variant has not been published as a pathogenic variant, nor has it been reported as a benign variant to our knowledge. The E757K variant is observed in 14/10,404 (0.1%) alleles from individuals of African background (Lek et al., 2016; 1000 Genomes Consortium et al., 2015; Exome Variant Server). The E757K variant is a non-conservative amino acid substitution, which is likely to impact secondary protein structure as these residues differ in polarity, charge, size and/or other properties. However, this substitution occurs at a position that is not conserved. In silico analysis is inconsistent in its predictions as to whether or not the variant is damaging to the protein structure/function. Therefore, based on the currently available information, it is unclear whether this variant is a pathogenic variant or a rare benign variant.

NM_153026.3(PRICKLE1):c.2269G>A (p.Glu757Lys)

Gene: PRICKLE1 (prickle planar cell polarity protein 1; minus strand). Cytogenetic location: 12q12.
Variant type: single nucleotide variant.
Coding change: c.2269G>A on transcript NM_153026.3 (MANE Select); coding-DNA position 2269, G replaced by A.
Protein change: p.Glu757Lys; replaces glutamic acid 757 with lysine.
Molecular consequence: missense variant.
Genome position (GRCh38, 1-based): chr12:42,460,036, C>T on the plus strand (G>A on the coding strand, the complement: PRICKLE1 is on the minus strand). VCF-style: chr12-42460036-C-T. GRCh37 (hg19) VCF-style: chr12-42853838-C-T.
Other names: p.E757K:GAG>AAG; c.2269G>A, p.Glu757Lys (NM_001144881.2, NM_001144882.2, NM_001144883.2); short protein forms E757K.
Identifiers: ClinVar variation 206655 (VCV000206655.20), dbSNP rs145860632, ClinGen allele CA316962.